The following is an entry in ClinVar:

NM_001287.6(CLCN7):c.2250+2C>T

Gene: CLCN7 (chloride voltage-gated channel 7; minus strand). Cytogenetic location: 16p13.3.
Variant type: single nucleotide variant.
Coding change: c.2250+2C>T on transcript NM_001287.6 (MANE Select); the canonical splice donor site of the intron after coding-DNA position 2250, C replaced by T.
Molecular consequence: splice donor variant.
Genome position (GRCh38, 1-based): chr16:1,447,390, G>A on the plus strand (C>T on the coding strand, the complement: CLCN7 is on the minus strand). VCF-style: chr16-1447390-G-A. GRCh37 (hg19) VCF-style: chr16-1497391-G-A.
Other names: c.2178+2C>T (NM_001114331.3).
Identifiers: ClinVar variation 2772486 (VCV002772486.3), dbSNP rs2505812151, ClinGen allele CA394185440.
Genomic context (GRCh38, chr16:1,447,390, plus strand): 5'-TGGACCCCACCCCCTGCTGTTCAGTCCCAGGCCCCACGCCCATGCCCATGCCCTGCACAT[G>A]CCTGGGGCACCGTGTAGGGGGAGGGGTTCATGAACTCGGAGAGGTCCATGGTGCACTCCC-3'

ClinVar aggregate classification (germline): Uncertain significance (1 of 4 stars; one submission).

Submission:

Labcorp Genetics (formerly Invitae), Labcorp
Classification: Uncertain significance. Last evaluated: 2023-06-05. Review status: criteria provided, single submitter. Criteria: Invitae Variant Classification Sherloc (09022015). Collection method: clinical testing. Allele origin: germline.
Comment: This variant is not present in population databases (gnomAD no frequency). In summary, the available evidence is currently insufficient to determine the role of this variant in disease. Therefore, it has been classified as a Variant of Uncertain Significance. Variants that disrupt the consensus splice site are a relatively common cause of aberrant splicing (PMID: 17576681, 9536098). This variant has not been reported in the literature in individuals affected with CLCN7-related conditions. This sequence change falls in intron 23 of the CLCN7 gene. It does not directly change the encoded amino acid sequence of the CLCN7 protein. It affects a nucleotide within the consensus splice site.

Literature cited by the submitters: PubMed 17576681; PubMed 9536098.